The following is an entry in ClinVar:

ClinVar aggregate classification (germline): Uncertain significance (1 of 4 stars; one submission).

Submission:

GeneDx
Classification: Uncertain significance. Last evaluated: 2025-06-09. Review status: criteria provided, single submitter. Criteria: GeneDx Variant Classification Process June 2021. Collection method: clinical testing. Allele origin: germline. Affected: yes.
Comment: Not observed at significant frequency in large population cohorts (gnomAD); In silico analysis suggests that this missense variant does not alter protein structure/function; Has not been previously published as pathogenic or benign to our knowledge

NM_024757.5(EHMT1):c.3572T>A (p.Phe1191Tyr)

Gene: EHMT1 (euchromatic histone lysine methyltransferase 1; plus strand). Cytogenetic location: 9q34.3.
Variant type: single nucleotide variant.
Coding change: c.3572T>A on transcript NM_024757.5 (MANE Select); coding-DNA position 3572, T replaced by A.
Protein change: p.Phe1191Tyr; replaces phenylalanine 1191 with tyrosine.
Molecular consequence: missense variant.
Genome position (GRCh38, 1-based): chr9:137,834,380, T>A. VCF-style: chr9-137834380-T-A. GRCh37 (hg19) VCF-style: chr9-140728832-T-A.
Other names: c.3551T>A, p.Phe1184Tyr (NM_001354263.2); short protein forms F1184Y, F1191Y.
Identifiers: ClinVar variation 4538165 (VCV004538165.1).